The following is an entry in ClinVar:

ClinVar aggregate classification (germline): Uncertain significance. Review status: criteria provided, multiple submitters, no conflicts (2 of 4 stars). 7 submissions from 7 submitters: Uncertain significance (5). 2 of the submissions do not count toward it. Last evaluated 2026-05-27.

Conditions:
CFTR-related disorder (CFTR-RD). Also called: CFTR-related condition; CFTR-related disorders. Identifiers: MedGen C5924204, MONDO:7770004.
Cystic fibrosis (CF). Also called: MUCOVISCIDOSIS. Identifiers: Orphanet 586, MedGen C0010674, MONDO:0009061, OMIM 219700. Disease mechanism: loss of function.

Allele frequency attached by ClinVar (database versions not stated): ExAC 0.00001; gnomAD 0.00001; gnomAD exomes 0.00001; TOPMed 0.00004.
gnomAD v4.1: 126 of 1,613,558 alleles (0.0078%); highest among the groups gnomAD compares: Non-Finnish European, 0.011%; no homozygotes.

Submissions (7):

Women's Health and Genetics/Laboratory Corporation of America, LabCorp
Classification: Uncertain significance. Last evaluated: 2026-05-27. Review status: criteria provided, single submitter. Criteria: LabCorp Variant Classification Summary - May 2015. Collection method: clinical testing. Allele origin: germline.
Comment: Variant summary: CFTR c.625G>T (p.Ala209Ser) results in a conservative amino acid change located in the transmembrane domain (IPR011527) of the encoded protein sequence. Algorithms developed to predict the effect of missense changes on protein structure and function all suggest that this variant is likely to be tolerated. The variant allele was found at a frequency of 1.2e-05 in 251444 control chromosomes. c.625G>T has been observed in individual(s) affected with Cystic Fibrosis, pancreatitis, bronchiectasis and infertility, without strong evidence for causality (LeMarechal_2001, Cohn_2005, Ziedalski_2006, Oud_2017). These data do not allow any conclusion about variant significance. In at least one individual with Cystic Fibrosis, the variant was identified along with two other co-occurring pathogenic variants (CFTR c.1521_1523del, p.F508del; CFTR c.366T>A, p.Y122*), providing supporting evidence for a benign role (Raraigh_2022). One experimental study showed single channel conductance similar to that of wild-type (Ge_2004) while another showed approximately 30% of normal chloride channel conductance relative to wild type (e.g., Bihler_2024). The following publications have been ascertained in the context of this evaluation (PMID: 16134171, 15504721, 11379874, 28801929, 25735457, 34782259, 17035430, 38388235). ClinVar contains an entry for this variant (Variation ID: 54030). Based on the evidence outlined above, the variant was classified as VUS-possibly pathogenic.

Labcorp Genetics (formerly Invitae), Labcorp
Classification: Uncertain significance for Cystic fibrosis. Last evaluated: 2026-01-24. Review status: criteria provided, single submitter. Criteria: Invitae Variant Classification Sherloc (09022015). Collection method: clinical testing. Allele origin: germline.
Comment: This sequence change replaces alanine, which is neutral and non-polar, with serine, which is neutral and polar, at codon 209 of the CFTR protein (p.Ala209Ser). This variant is present in population databases (rs397508772, gnomAD 0.003%). This missense change has been observed in individual(s) with clinical features of CFTR-related conditions (PMID: 11379874, 16134171, 17035430, 34782259). ClinVar contains an entry for this variant (Variation ID: 54030). Invitae Evidence Modeling of protein sequence and biophysical properties (such as structural, functional, and spatial information, amino acid conservation, physicochemical variation, residue mobility, and thermodynamic stability) indicates that this missense variant is not expected to disrupt CFTR protein function with a negative predictive value of 80%. Experimental studies have shown that this missense change does not substantially affect CFTR function (PMID: 15504721). In summary, the available evidence is currently insufficient to determine the role of this variant in disease. Therefore, it has been classified as a Variant of Uncertain Significance.

Ambry Genetics
Classification: Uncertain significance for Cystic fibrosis. Last evaluated: 2025-05-23. Review status: criteria provided, single submitter. Criteria: Ambry Variant Classification Scheme 2023. Collection method: clinical testing. Allele origin: germline.
Comment: The p.A209S variant (also known as c.625G>T), located in coding exon 6 of the CFTR gene, results from a G to T substitution at nucleotide position 625. The alanine at codon 209 is replaced by serine, an amino acid with similar properties. An individual diagnosed with idiopathic chronic pancreatitis was reported to be heterozygous for this variant (Cohn et al. Hum Mut. 2005:26(4):303-7). Another study reported an individual who was heterozygous for this variant diagnosed with bronchiectasis (Ziedalski et al. Chest. 2006:130(4):995-1002). This amino acid position is poorly conserved in available vertebrate species. In addition, the in silico prediction for this alteration is inconclusive. Based on the available evidence, the clinical significance of this variant remains unclear.

Johns Hopkins Genomics, Johns Hopkins University
Classification: Uncertain significance for Cystic fibrosis. Last evaluated: 2024-02-29. Review status: criteria provided, single submitter. Criteria: ACMG Guidelines, 2015. Collection method: clinical testing. Allele origin: germline.
Comment: This CFTR missense variant has been identified as a single heterozygous variant in individuals with pancreatitis and bronchiectasis. This variant (rs397508772) is rare (<0.1%) in a large population dataset4 (gnomAD: 126/1613558 total alleles; 0.008%; no homozygotes) and has been reported in ClinVar (Variation ID: 54030). Of three bioinformatics tools queried, one predicts that the substitution would be damaging, while two predict that it would be tolerated. The alanine residue is not highly evolutionarily conserved among species. A single functional study indicates that this variant decreases, but does not abolish CFTR chloride conductance. We consider the clinical significance of CFTR c.625G>T to be uncertain at this time.

Blueprint Genetics
Classification: Uncertain significance. Last evaluated: 2022-06-23. Review status: criteria provided, single submitter. Criteria: ACMG Guidelines, 2015. Collection method: clinical testing. Allele origin: germline.

Natera, Inc.
Classification: Uncertain significance for CFTR-related disorders. Last evaluated: 2019-07-16. Review status: no assertion criteria provided. Collection method: clinical testing. Allele origin: germline. Not counted in ClinVar's aggregate classification.

ClinVar Staff, National Center for Biotechnology Information (NCBI)
No classification provided. Condition: CFTR-related disorders. Review status: no classification provided. Collection method: literature only. Allele origin: germline. Affected: yes. Not counted in ClinVar's aggregate classification.

Literature cited by the submitters: PubMed 17035430 (cited by 3 submitters); PubMed 11379874 (cited by 3 submitters); PubMed 16134171 (cited by 3 submitters); PubMed 25735457 (cited by Women's Health and Genetics/Laboratory Corporation of America, LabCorp); PubMed 15504721 (cited by Women's Health and Genetics/Laboratory Corporation of America, LabCorp and Labcorp Genetics (formerly Invitae), Labcorp); PubMed 28801929 (cited by Women's Health and Genetics/Laboratory Corporation of America, LabCorp); PubMed 34782259 (cited by 3 submitters); PubMed 38388235 (cited by Women's Health and Genetics/Laboratory Corporation of America, LabCorp and Johns Hopkins Genomics, Johns Hopkins University).

NM_000492.4(CFTR):c.625G>T (p.Ala209Ser)

Gene: CFTR (CF transmembrane conductance regulator; plus strand). Cytogenetic location: 7q31.2.
Variant type: single nucleotide variant.
Coding change: c.625G>T on transcript NM_000492.4 (MANE Select); coding-DNA position 625, G replaced by T.
Protein change: p.Ala209Ser; replaces alanine 209 with serine.
Molecular consequence: missense variant.
Genome position (GRCh38, 1-based): chr7:117,535,293, G>T. VCF-style: chr7-117535293-G-T. GRCh37 (hg19) VCF-style: chr7-117175347-G-T.
Other names: short protein forms A209S.
Identifiers: ClinVar variation 54030 (VCV000054030.15), dbSNP rs397508772, ClinGen allele CA327607.